The following is an entry in ClinVar:

NM_022725.4(FANCF):c.952C>G (p.Pro318Ala)

Genes: FANCF (FA complementation group F; minus strand), LOC130005443 (ATAC-STARR-seq lymphoblastoid active region 4533; plus strand). Cytogenetic location: 11p14.3.
Variant type: single nucleotide variant.
Coding change: c.952C>G on transcript NM_022725.4 (MANE Select); coding-DNA position 952, C replaced by G.
Protein change: p.Pro318Ala; replaces proline 318 with alanine.
Molecular consequence: missense variant.
Genome position (GRCh38, 1-based): chr11:22,624,859, G>C on the plus strand (C>G on the coding strand, the complement: FANCF is on the minus strand). VCF-style: chr11-22624859-G-C. GRCh37 (hg19) VCF-style: chr11-22646405-G-C.
Other names: short protein forms P318A.
Identifiers: ClinVar variation 2000810 (VCV002000810.4), dbSNP rs746120363, ClinGen allele CA380057980.
Genomic context (GRCh38, chr11:22,624,859, plus strand): 5'-CTCCATCCTGCGCTTTACAGGTCTCCAGGGCAGTTAGAACTTTATCTTTCAGAGGTGGAG[G>C]GGCCTGACAGAGGCTTTGAAACCTATTGTGCAACTCCTCCCAGGGCACATCTTGGGACTC-3'
Protein context (NP_073562.1, residues 308-328): HNRFQSLCQA[Pro318Ala]PPLKDKVLTA

ClinVar aggregate classification (germline): Uncertain significance (1 of 4 stars; one submission).

Conditions:
Fanconi anemia (FA). Also called: Fanconi's anemia. Identifiers: Orphanet 84, MedGen C0015625, MeSH D005199, MONDO:0019391.

Submission:

Labcorp Genetics (formerly Invitae), Labcorp
Classification: Uncertain significance for Fanconi anemia. Last evaluated: 2022-05-29. Review status: criteria provided, single submitter. Criteria: Invitae Variant Classification Sherloc (09022015). Collection method: clinical testing. Allele origin: germline.
Comment: This variant has not been reported in the literature in individuals affected with FANCF-related conditions. Algorithms developed to predict the effect of missense changes on protein structure and function output the following: SIFT: "Tolerated"; PolyPhen-2: "Benign"; Align-GVGD: "Class C0". The alanine amino acid residue is found in multiple mammalian species, which suggests that this missense change does not adversely affect protein function. This variant is not present in population databases (gnomAD no frequency). In summary, the available evidence is currently insufficient to determine the role of this variant in disease. Therefore, it has been classified as a Variant of Uncertain Significance. This sequence change replaces proline, which is neutral and non-polar, with alanine, which is neutral and non-polar, at codon 318 of the FANCF protein (p.Pro318Ala).